The following is an entry in ClinVar:

NM_021076.4(NEFH):c.2290C>T (p.Pro764Ser)

Gene: NEFH (neurofilament heavy chain; plus strand). Cytogenetic location: 22q12.2.
Variant type: single nucleotide variant.
Coding change: c.2290C>T on transcript NM_021076.4 (MANE Select); coding-DNA position 2290, C replaced by T.
Protein change: p.Pro764Ser; replaces proline 764 with serine.
Molecular consequence: missense variant.
Genome position (GRCh38, 1-based): chr22:29,489,930, C>T. VCF-style: chr22-29489930-C-T. GRCh37 (hg19) VCF-style: chr22-29885919-C-T.
Other names: short protein forms P764S.
Identifiers: ClinVar variation 2958208 (VCV002958208.3), dbSNP rs1435294050, ClinGen allele CA411136782.

ClinVar aggregate classification (germline): Uncertain significance (1 of 4 stars; one submission).

Allele frequency attached by ClinVar (database versions not stated): TOPMed below 0.00001.

Submission:

Labcorp Genetics (formerly Invitae), Labcorp
Classification: Uncertain significance. Last evaluated: 2023-08-25. Review status: criteria provided, single submitter. Criteria: Invitae Variant Classification Sherloc (09022015). Collection method: clinical testing. Allele origin: germline.
Comment: In summary, the available evidence is currently insufficient to determine the role of this variant in disease. Therefore, it has been classified as a Variant of Uncertain Significance. Advanced modeling of protein sequence and biophysical properties (such as structural, functional, and spatial information, amino acid conservation, physicochemical variation, residue mobility, and thermodynamic stability) performed at Invitae indicates that this missense variant is not expected to disrupt NEFH protein function. This variant has not been reported in the literature in individuals affected with NEFH-related conditions. This variant is present in population databases (no rsID available, gnomAD 0.006%). This sequence change replaces proline, which is neutral and non-polar, with serine, which is neutral and polar, at codon 764 of the NEFH protein (p.Pro764Ser).